The following is an entry in ClinVar:

ClinVar aggregate classification (germline): Uncertain significance (1 of 4 stars; one submission).

Conditions:
GPR143-related disorder. Also called: GPR143-related condition.

Submission:

PreventionGenetics, part of Exact Sciences
Classification: Uncertain significance for GPR143-related condition. Last evaluated: 2026-09-15. Review status: criteria provided, single submitter. Criteria: ACMG Guidelines, 2015. Collection method: clinical testing. Allele origin: germline.
Comment: The GPR143 c.889_909dup21 variant is predicted to result in an in-frame duplication (p.Ile297_Gly303dup). To our knowledge, this variant has not been reported in the literature. This variant is absent in a large population database (gnomAD), indicating this variant is rare. At this time, the clinical significance of this variant is uncertain due to the absence of conclusive functional and genetic evidence.

NM_000273.2(GPR143):c.889_909dup21

Gene: GPR143 (G protein-coupled receptor 143; minus strand). Cytogenetic location: Xp22.2.
Variant type: Duplication.
Coding change: c.889_909dup21 on transcript NM_000273.2; coding-DNA positions 889 to 909, 21 bases duplicated (ATCCTGAATCCAGCCCAGGGA).
Genome position (GRCh38, 1-based): chrX:9,739,696-9,739,716, TCCCTGGGCTGGATTCAGGAT duplicated on the plus strand (ATCCTGAATCCAGCCCAGGGA on the coding strand, the reverse complement: GPR143 is on the minus strand); duplicating any 21 consecutive bases within chrX:9,739,696-9,739,723 gives the same sequence; the c. name uses the placement nearest the transcript's 3' end. VCF-style (leftmost placement, unchanged base first): chrX-9739695-A-ATCCCTGGGCTGGATTCAGGAT. GRCh37 (hg19) VCF-style: chrX-9707735-A-ATCCCTGGGCTGGATTCAGGAT.
Identifiers: ClinVar variation 4991702 (VCV004991702.1).